The following is an entry in ClinVar:

ClinVar aggregate classification (germline): Uncertain significance (1 of 4 stars; one submission).

Conditions:
Medulloblastoma (MDB). Also called: MEDULLOBLASTOMA PREDISPOSITION SYNDROME; Medulloblastoma, somatic. Identifiers: Orphanet 616, MedGen C0025149, MeSH D008527, MONDO:0007959, OMIM 155255, HP:0002885.
Gorlin syndrome. Also called: Basal cell nevus syndrome; Nevoid Basal Cell Carcinoma Syndrome. Identifiers: Orphanet 377, MedGen C0004779, MONDO:0007187.

Allele frequency attached by ClinVar (database versions not stated): ExAC 0.00001.
gnomAD v4.1: 1 of 1,614,200 alleles (0.000062%); highest among the groups gnomAD compares: Admixed American, 0.0017%; no homozygotes.

Submission:

Labcorp Genetics (formerly Invitae), Labcorp
Classification: Uncertain significance for Gorlin syndrome; Medulloblastoma. Last evaluated: 2022-07-15. Review status: criteria provided, single submitter. Criteria: Invitae Variant Classification Sherloc (09022015). Collection method: clinical testing. Allele origin: germline.
Comment: Algorithms developed to predict the effect of missense changes on protein structure and function (SIFT, PolyPhen-2, Align-GVGD) all suggest that this variant is likely to be tolerated. This variant has not been reported in the literature in individuals affected with SUFU-related conditions. This variant is present in population databases (rs749864416, gnomAD 0.003%). This sequence change replaces threonine, which is neutral and polar, with asparagine, which is neutral and polar, at codon 128 of the SUFU protein (p.Thr128Asn). In summary, the available evidence is currently insufficient to determine the role of this variant in disease. Therefore, it has been classified as a Variant of Uncertain Significance.

NM_016169.4(SUFU):c.383C>A (p.Thr128Asn)

Gene: SUFU (SUFU negative regulator of hedgehog signaling; plus strand). Cytogenetic location: 10q24.32.
Variant type: single nucleotide variant.
Coding change: c.383C>A on transcript NM_016169.4 (MANE Select); coding-DNA position 383, C replaced by A.
Protein change: p.Thr128Asn; replaces threonine 128 with asparagine.
Molecular consequence: missense variant.
Genome position (GRCh38, 1-based): chr10:102,550,035, C>A. VCF-style: chr10-102550035-C-A. GRCh37 (hg19) VCF-style: chr10-104309792-C-A.
Other names: c.383C>A, p.Thr128Asn (NM_001178133.2); short protein forms T128N.
Identifiers: ClinVar variation 1722158 (VCV001722158.6), dbSNP rs749864416, ClinGen allele CA5667664.